The following is an entry in ClinVar:

NM_001378454.1(ALMS1):c.12298+4C>T

Genes: ALMS1 (ALMS1 centrosome and basal body associated protein; plus strand), LOC126806252 (BRD4-independent group 4 enhancer GRCh37_chr2:73828496-73829695; plus strand). Cytogenetic location: 2p13.1.
Variant type: single nucleotide variant.
Coding change: c.12298+4C>T on transcript NM_001378454.1 (MANE Select); 4 bases into the intron after coding-DNA position 12298, C replaced by T.
Molecular consequence: intron variant.
Genome position (GRCh38, 1-based): chr2:73,602,372, C>T. VCF-style: chr2-73602372-C-T. GRCh37 (hg19) VCF-style: chr2-73829499-C-T.
Other names: c.12298+4C>T (NM_015120.4).
Identifiers: ClinVar variation 1928544 (VCV001928544.3), dbSNP rs751575704, ClinGen allele CA1715508.

ClinVar aggregate classification (germline): Uncertain significance (1 of 4 stars; one submission).

Conditions:
Alstrom syndrome (ALMS). Identifiers: Orphanet 64, MedGen C0268425, MONDO:0008763, OMIM 203800.

Allele frequency attached by ClinVar (database versions not stated): ExAC 0.00001; TOPMed 0.00001.
gnomAD v4.1: 11 of 1,614,090 alleles (0.00068%); highest among the groups gnomAD compares: South Asian, 0.0044%; no homozygotes.

Submission:

Labcorp Genetics (formerly Invitae), Labcorp
Classification: Uncertain significance for Alstrom syndrome. Last evaluated: 2025-06-01. Review status: criteria provided, single submitter. Criteria: Invitae Variant Classification Sherloc (09022015). Collection method: clinical testing. Allele origin: germline.
Comment: This sequence change falls in intron 20 of the ALMS1 gene. It does not directly change the encoded amino acid sequence of the ALMS1 protein. It affects a nucleotide within the consensus splice site. This variant is present in population databases (rs751575704, gnomAD 0.006%). This variant has not been reported in the literature in individuals affected with ALMS1-related conditions. ClinVar contains an entry for this variant (Variation ID: 1928544). Variants that disrupt the consensus splice site are a relatively common cause of aberrant splicing (PMID: 17576681, 9536098). Algorithms developed to predict the effect of sequence changes on RNA splicing suggest that this variant is not likely to affect RNA splicing. In summary, the available evidence is currently insufficient to determine the role of this variant in disease. Therefore, it has been classified as a Variant of Uncertain Significance.

Literature cited by the submitters: PubMed 17576681; PubMed 9536098.